The following is an entry in ClinVar:

NM_000048.4(ASL):c.104G>A (p.Trp35Ter)

Gene: ASL (argininosuccinate lyase; plus strand). Cytogenetic location: 7q11.21.
Variant type: single nucleotide variant.
Coding change: c.104G>A on transcript NM_000048.4 (MANE Select); coding-DNA position 104, G replaced by A.
Protein change: p.Trp35Ter; replaces tryptophan 35 with a stop codon.
Molecular consequence: nonsense.
Genome position (GRCh38, 1-based): chr7:66,081,894, G>A. VCF-style: chr7-66081894-G-A. GRCh37 (hg19) VCF-style: chr7-65546881-G-A.
Other names: c.104G>A, p.Trp35Ter (NM_001024943.2, NM_001024944.2, NM_001024946.2); short protein forms W35*.
Identifiers: ClinVar variation 2772590 (VCV002772590.4), dbSNP rs2484993553, ClinGen allele CA367638057.

ClinVar aggregate classification (germline): Pathogenic/Likely pathogenic. Review status: criteria provided, multiple submitters, no conflicts (2 of 4 stars). 2 submissions from 2 submitters: Pathogenic (1); Likely pathogenic (1). Last evaluated 2024-03-16.

Conditions:
Argininosuccinate lyase deficiency. Also called: ARGININOSUCCINIC ACID LYASE DEFICIENCY; ASL DEFICIENCY; Argininosuccinic aciduria. Identifiers: Orphanet 23, MedGen C0268547, MONDO:0008815, OMIM 207900, HP:0025630.

Allele frequency attached by ClinVar (database versions not stated): gnomAD exomes below 0.00001.
gnomAD v4.1: 1 of 1,614,002 alleles (0.000062%); highest among the groups gnomAD compares: East Asian, 0.0022%; no homozygotes.

Submissions (2):

Fulgent Genetics
Classification: Likely pathogenic for Argininosuccinate lyase deficiency. Last evaluated: 2024-03-16. Review status: criteria provided, single submitter. Criteria: ACMG Guidelines, 2015. Collection method: clinical testing. Allele origin: germline.

Labcorp Genetics (formerly Invitae), Labcorp
Classification: Pathogenic for Argininosuccinate lyase deficiency. Last evaluated: 2023-10-29. Review status: criteria provided, single submitter. Criteria: Invitae Variant Classification Sherloc (09022015). Collection method: clinical testing. Allele origin: germline.
Comment: This sequence change creates a premature translational stop signal (p.Trp35*) in the ASL gene. It is expected to result in an absent or disrupted protein product. Loss-of-function variants in ASL are known to be pathogenic (PMID: 2263616, 24166829). This variant is not present in population databases (gnomAD no frequency). This variant has not been reported in the literature in individuals affected with ASL-related conditions. For these reasons, this variant has been classified as Pathogenic.

Literature cited by the submitters: PubMed 2263616 (cited by Labcorp Genetics (formerly Invitae), Labcorp); PubMed 24166829 (cited by Labcorp Genetics (formerly Invitae), Labcorp).